The following is an entry in ClinVar:

NM_001354768.3(NRL):c.635G>A (p.Arg212His)

Genes: NRL (neural retina leucine zipper; minus strand), LOC130055387 (ATAC-STARR-seq lymphoblastoid silent region 5620; plus strand). Cytogenetic location: 14q11.2.
Variant type: single nucleotide variant.
Coding change: c.635G>A on transcript NM_001354768.3 (MANE Select); coding-DNA position 635, G replaced by A.
Protein change: p.Arg212His; replaces arginine 212 with histidine.
Molecular consequence: missense variant.
Genome position (GRCh38, 1-based): chr14:24,081,315, C>T on the plus strand (G>A on the coding strand, the complement: NRL is on the minus strand). VCF-style: chr14-24081315-C-T. GRCh37 (hg19) VCF-style: chr14-24550524-C-T.
Other names: c.635G>A (NM_006177.3); c.635G>A, p.Arg212His (NM_001354769.1, NM_006177.5); c.320G>A, p.Arg107His (NM_001354770.2); short protein forms R212H, R107H.
Identifiers: ClinVar variation 2795207 (VCV002795207.4), dbSNP rs1310679128, ClinGen allele CA389276628.

ClinVar aggregate classification (germline): Uncertain significance. Review status: criteria provided, multiple submitters, no conflicts (2 of 4 stars). 2 submissions from 2 submitters: Uncertain significance (2). Last evaluated 2025-01-19.

Conditions:
Inborn genetic diseases. Identifiers: MedGen C0950123, MeSH D030342.

Submissions (2):

Ambry Genetics
Classification: Uncertain significance for Inborn genetic diseases. Last evaluated: 2025-01-19. Review status: criteria provided, single submitter. Criteria: Ambry Variant Classification Scheme 2023. Collection method: clinical testing. Allele origin: germline.

Labcorp Genetics (formerly Invitae), Labcorp
Classification: Uncertain significance. Last evaluated: 2023-08-17. Review status: criteria provided, single submitter. Criteria: Invitae Variant Classification Sherloc (09022015). Collection method: clinical testing. Allele origin: germline.
Comment: In summary, the available evidence is currently insufficient to determine the role of this variant in disease. Therefore, it has been classified as a Variant of Uncertain Significance. An algorithm developed to predict the effect of missense changes on protein structure and function (PolyPhen-2) suggests that this variant is likely to be disruptive. This variant has not been reported in the literature in individuals affected with NRL-related conditions. The frequency data for this variant in the population databases is considered unreliable, as metrics indicate poor data quality at this position in the gnomAD database. This sequence change replaces arginine, which is basic and polar, with histidine, which is basic and polar, at codon 212 of the NRL protein (p.Arg212His).